The following is an entry in ClinVar:

NM_000540.3(RYR1):c.7619C>T (p.Thr2540Ile)

Gene: RYR1 (ryanodine receptor 1; plus strand). Cytogenetic location: 19q13.2.
Variant type: single nucleotide variant.
Coding change: c.7619C>T on transcript NM_000540.3 (MANE Select); coding-DNA position 7619, C replaced by T.
Protein change: p.Thr2540Ile; replaces threonine 2540 with isoleucine.
Molecular consequence: missense variant.
Genome position (GRCh38, 1-based): chr19:38,502,511, C>T. VCF-style: chr19-38502511-C-T. GRCh37 (hg19) VCF-style: chr19-38993151-C-T.
Other names: c.7619C>T, p.Thr2540Ile (NM_001042723.2); short protein forms T2540I.
Identifiers: ClinVar variation 3636232 (VCV003636232.2).

ClinVar aggregate classification (germline): Uncertain significance (1 of 4 stars; one submission).

Conditions:
RYR1-related disorder. Also called: RYR1-related condition; RYR1-related disorders. Identifiers: MedGen CN239331.

Submission:

Labcorp Genetics (formerly Invitae), Labcorp
Classification: Uncertain significance for RYR1-related disorder. Last evaluated: 2024-03-15. Review status: criteria provided, single submitter. Criteria: Invitae Variant Classification Sherloc (09022015). Collection method: clinical testing. Allele origin: germline.
Comment: This sequence change replaces threonine, which is neutral and polar, with isoleucine, which is neutral and non-polar, at codon 2540 of the RYR1 protein (p.Thr2540Ile). This variant is not present in population databases (gnomAD no frequency). This variant has not been reported in the literature in individuals affected with RYR1-related conditions. Advanced modeling of protein sequence and biophysical properties (such as structural, functional, and spatial information, amino acid conservation, physicochemical variation, residue mobility, and thermodynamic stability) performed at Invitae indicates that this missense variant is not expected to disrupt RYR1 protein function with a negative predictive value of 95%. In summary, the available evidence is currently insufficient to determine the role of this variant in disease. Therefore, it has been classified as a Variant of Uncertain Significance.